The following is an entry in ClinVar:

ClinVar aggregate classification (germline): Uncertain significance (1 of 4 stars; one submission).

Allele frequency attached by ClinVar (database versions not stated): ExAC 0.00001.
gnomAD v4.1: 4 of 1,614,234 alleles (0.00025%); highest among the groups gnomAD compares: African/African-American, 0.0013%; no homozygotes.

Submission:

Labcorp Genetics (formerly Invitae), Labcorp
Classification: Uncertain significance. Last evaluated: 2024-02-22. Review status: criteria provided, single submitter. Criteria: Invitae Variant Classification Sherloc (09022015). Collection method: clinical testing. Allele origin: germline.
Comment: This sequence change replaces methionine, which is neutral and non-polar, with valine, which is neutral and non-polar, at codon 677 of the TNNI3K protein (p.Met677Val). This variant is present in population databases (rs748232152, gnomAD 0.003%). This variant has not been reported in the literature in individuals affected with TNNI3K-related conditions. ClinVar contains an entry for this variant (Variation ID: 2132777). An algorithm developed to predict the effect of missense changes on protein structure and function (PolyPhen-2) suggests that this variant is likely to be disruptive. In summary, the available evidence is currently insufficient to determine the role of this variant in disease. Therefore, it has been classified as a Variant of Uncertain Significance.

NM_015978.3(TNNI3K):c.2029A>G (p.Met677Val)

Genes: FPGT-TNNI3K (FPGT-TNNI3K readthrough; plus strand), TNNI3K (TNNI3 interacting kinase; plus strand). Cytogenetic location: 1p31.1.
Variant type: single nucleotide variant.
Coding change: c.2029A>G on transcript NM_015978.3 (MANE Select); coding-DNA position 2029, A replaced by G.
Protein change: p.Met677Val; replaces methionine 677 with valine.
Molecular consequence: missense variant.
Genome position (GRCh38, 1-based): chr1:74,463,458, A>G. VCF-style: chr1-74463458-A-G. GRCh37 (hg19) VCF-style: chr1-74929142-A-G.
Other names: c.2332A>G, p.Met778Val (NM_001112808.3, NM_001199327.2); short protein forms M778V, M677V.
Identifiers: ClinVar variation 2132777 (VCV002132777.4), dbSNP rs748232152, ClinGen allele CA909571.